The following is an entry in ClinVar:

NM_006767.4(LZTR1):c.374dup (p.Tyr126fs)

Gene: LZTR1 (leucine zipper like post translational regulator 1; plus strand). Cytogenetic location: 22q11.21.
Variant type: Duplication.
Coding change: c.374dup on transcript NM_006767.4 (MANE Select); coding-DNA position 374, one base duplicated (T; older notation c.374dupT).
Protein change: p.Tyr126fs; shifts the reading frame from tyrosine 126.
Molecular consequence: frameshift variant.
Genome position (GRCh38, 1-based): chr22:20,987,557, T duplicated. VCF-style (leftmost placement, unchanged base first): chr22-20987556-G-GT. GRCh37 (hg19) VCF-style: chr22-21341845-G-GT.
Other names: short protein forms Y126fs.
Identifiers: ClinVar variation 4615608 (VCV004615608.2).

ClinVar aggregate classification (germline): Pathogenic/Likely pathogenic. Review status: criteria provided, multiple submitters, no conflicts (2 of 4 stars). 2 submissions from 2 submitters: Pathogenic (1); Likely pathogenic (1). Last evaluated 2025-09-16.

Conditions:
Cardiovascular phenotype. Identifiers: MedGen CN230736.
Hereditary cancer-predisposing syndrome. Also called: Neoplastic Syndromes, Hereditary; Tumor predisposition; Hereditary Cancer Syndrome; Hereditary neoplastic syndrome. Identifiers: Orphanet 140162, MedGen C0027672, MeSH D009386, MONDO:0015356.
LZTR1-related schwannomatosis. Also called: Schwannomatosis 2; Schwannomatosis-2, susceptibility to. Identifiers: Orphanet 93921, MedGen C3810283, MONDO:0014299, OMIM 615670.

Submissions (2):

Ambry Genetics
Classification: Pathogenic for Cardiovascular phenotype; Hereditary cancer-predisposing syndrome. Last evaluated: 2025-09-16. Review status: criteria provided, single submitter. Criteria: Ambry Variant Classification Scheme 2023. Collection method: clinical testing. Allele origin: germline.
Comment: The c.374dupT pathogenic mutation, located in coding exon 4 of the LZTR1 gene, results from a duplication of T at nucleotide position 374, causing a translational frameshift with a predicted alternate stop codon (p.Y126Lfs*20). This variant is considered to be rare based on population cohorts in the Genome Aggregation Database (gnomAD). This alteration is expected to result in loss of function by premature protein truncation or nonsense-mediated mRNA decay. Loss-of-function variants in LZTR1 are related to an increased risk for schwannomas and autosomal recessive Noonan syndrome; however, such associations with autosomal dominant Noonan syndrome have not been observed (Piotrowski A et al. Nat Genet. 2014 Feb;46:182-7; Yamamoto GL et al. J Med Genet. 2015 Jun;52:413-21; Johnston JJ et al. Genet Med. 2018 10;20:1175-1185). Based on the supporting evidence, this variant is pathogenic for an increased risk of LZTR1-related schwannomatosis (SWN) and would be expected to cause autosomal recessive Noonan syndrome when present along with a second pathogenic or likely pathogenic variant on the other allele; however, the association of this alteration with autosomal dominant Noonan syndrome is unlikely.

MVZ Praenatalmedizin und Genetik Nuernberg
Classification: Likely pathogenic for LZTR1-related schwannomatosis. Last evaluated: 2023-05-17. Review status: criteria provided, single submitter. Criteria: ACMG Guidelines, 2015. Collection method: clinical testing. Allele origin: maternal.
Comment: The LZTR1 variant c.374dup is located in exon 4 of 21 and leads to a shift in the reading frame and a premature stop codon. It has not yet been annotated in gnomAD or ClinVar. According to ClinVar many other truncating variants downstream of the variant detected here are annotated as pathogenic. Loss of function is a known pathomechanism for LZTR1 variants. A literature search did not yield any additional information. In summary, based on the current data, we assess the change detected here to be a likely pathogenic variant regarding autosomal recessive Noonan syndrome type 2 and autosomal dominant susceptibility to Schwannomatosis